The following is an entry in ClinVar:

NM_001042492.3(NF1):c.1136G>A (p.Cys379Tyr)

Gene: NF1 (neurofibromin 1; plus strand). Cytogenetic location: 17q11.2.
Variant type: single nucleotide variant.
Coding change: c.1136G>A on transcript NM_001042492.3 (MANE Select); coding-DNA position 1136, G replaced by A.
Protein change: p.Cys379Tyr; replaces cysteine 379 with tyrosine.
Molecular consequence: missense variant.
Genome position (GRCh38, 1-based): chr17:31,201,110, G>A. VCF-style: chr17-31201110-G-A. GRCh37 (hg19) VCF-style: chr17-29528128-G-A.
Other names: c.1136G>A, p.Cys379Tyr (NM_000267.4, NM_001128147.3); short protein forms C379Y.
Identifiers: ClinVar variation 4779759 (VCV004779759.1).

ClinVar aggregate classification (germline): Uncertain significance (1 of 4 stars; one submission).

Conditions:
Neurofibromatosis, type 1 (NF1). Also called: Neurofibromatosis, type I; VON RECKLINGHAUSEN DISEASE; NEUROFIBROMATOSIS, TYPE I, SOMATIC; Peripheral type neurofibromatosis. Identifiers: Orphanet 636, MedGen C0027831, MONDO:0018975, OMIM 162200. Disease mechanism: loss of function.

Submission:

Labcorp Genetics (formerly Invitae), Labcorp
Classification: Uncertain significance for Neurofibromatosis, type 1. Last evaluated: 2025-10-21. Review status: criteria provided, single submitter. Criteria: Invitae Variant Classification Sherloc (09022015). Collection method: clinical testing. Allele origin: germline.
Comment: This sequence change replaces cysteine, which is neutral and slightly polar, with tyrosine, which is neutral and polar, at codon 379 of the NF1 protein (p.Cys379Tyr). This variant is not present in population databases (gnomAD no frequency). This variant has not been reported in the literature in individuals affected with NF1-related conditions. Invitae Evidence Modeling of protein sequence and biophysical properties (such as structural, functional, and spatial information, amino acid conservation, physicochemical variation, residue mobility, and thermodynamic stability) indicates that this missense variant is expected to disrupt NF1 protein function with a positive predictive value of 95%. This variant disrupts the p.Cys379 amino acid residue in NF1. Other variant(s) that disrupt this residue have been determined to be pathogenic (PMID: 31573083; internal data). This suggests that this residue is clinically significant, and that variants that disrupt this residue are likely to be disease-causing. In summary, the available evidence is currently insufficient to determine the role of this variant in disease. Therefore, it has been classified as a Variant of Uncertain Significance.

Literature cited by the submitters: PubMed 31573083.